The following is an entry in ClinVar:

NM_001145809.2(MYH14):c.428T>C (p.Val143Ala)

Gene: MYH14 (myosin heavy chain 14; plus strand). Cytogenetic location: 19q13.33.
Variant type: single nucleotide variant.
Coding change: c.428T>C on transcript NM_001145809.2 (MANE Select); coding-DNA position 428, T replaced by C.
Protein change: p.Val143Ala; replaces valine 143 with alanine.
Molecular consequence: missense variant.
Genome position (GRCh38, 1-based): chr19:50,217,637, T>C. VCF-style: chr19-50217637-T-C. GRCh37 (hg19) VCF-style: chr19-50720894-T-C.
Other names: c.428T>C, p.Val143Ala (NM_001077186.2, NM_024729.4); short protein forms V143A.
Identifiers: ClinVar variation 1189287 (VCV001189287.5), dbSNP rs753622274, ClinGen allele CA9592262.
Genomic context (GRCh38, chr19:50,217,637, plus strand): 5'-CAGCCATCTGAGACCCTCTCCCCTCTCACCCACTGCAGACGTACTCCGGCCTTTTCTGTG[T>C]GGTCATCAACCCGTACAAGCAGCTTCCCATCTACACAGAAGCCATTGTGGAGATGTACCG-3'
Protein context (NP_001139281.1, residues 133-153): LIYTYSGLFC[Val143Ala]VINPYKQLPI

ClinVar aggregate classification (germline): Uncertain significance (1 of 4 stars; one submission).

Allele frequency attached by ClinVar (database versions not stated): TOPMed 0.00003; gnomAD 0.00004; gnomAD exomes 0.00004 and 0.00011; ExAC 0.00005.
gnomAD v4.1: 164 of 1,613,910 alleles (0.01%); highest among the groups gnomAD compares: Non-Finnish European, 0.013%; no homozygotes.

Submission:

GeneDx
Classification: Uncertain significance. Last evaluated: 2024-12-05. Review status: criteria provided, single submitter. Criteria: GeneDx Variant Classification Process June 2021. Collection method: clinical testing. Allele origin: germline. Affected: yes.
Comment: In silico analysis supports that this missense variant has a deleterious effect on protein structure/function; Has not been previously published as pathogenic or benign to our knowledge